The following is an entry in ClinVar:

NM_213599.3(ANO5):c.39A>G (p.Glu13=)

Gene: ANO5 (anoctamin 5; plus strand). Cytogenetic location: 11p14.3.
Variant type: single nucleotide variant.
Coding change: c.39A>G on transcript NM_213599.3 (MANE Select); coding-DNA position 39, A replaced by G.
Protein change: p.Glu13=; no amino-acid change (glutamic acid 13 retained).
Molecular consequence: synonymous variant.
Genome position (GRCh38, 1-based): chr11:22,193,531, A>G. VCF-style: chr11-22193531-A-G. GRCh37 (hg19) VCF-style: chr11-22215077-A-G.
Other names: c.39A>G, p.Glu13= (NM_001142649.2).
Identifiers: ClinVar variation 570787 (VCV000570787.9), dbSNP rs774709754, ClinGen allele CA5922740.

ClinVar aggregate classification (germline): Uncertain significance (1 of 4 stars; one submission).

Conditions:
Autosomal recessive limb-girdle muscular dystrophy type 2L (LGMDR12). Also called: MUSCULAR DYSTROPHY, LIMB-GIRDLE, AUTOSOMAL RECESSIVE 12; Limb-girdle muscular dystrophy, type 2L; Limb-Girdle Muscular Dystrophy R12 Anoctamin-5-Related (LGMD-R12). Identifiers: Orphanet 206549, MedGen C1969785, MONDO:0012652, OMIM 611307.
Gnathodiaphyseal dysplasia (GDD). Also called: GNATHODIAPHYSEAL SCLEROSIS; OSTEOGENESIS IMPERFECTA WITH UNUSUAL SKELETAL LESIONS. Identifiers: Orphanet 53697, MedGen C1833736, MONDO:0008151, OMIM 166260.

Allele frequency attached by ClinVar (database versions not stated): gnomAD exomes below 0.00001; ExAC 0.00001.
gnomAD v4.1: 1 of 1,612,824 alleles (0.000062%); highest among the groups gnomAD compares: East Asian, 0.0022%; no homozygotes.

Submission:

Labcorp Genetics (formerly Invitae), Labcorp
Classification: Uncertain significance for Autosomal recessive limb-girdle muscular dystrophy type 2L; Gnathodiaphyseal dysplasia. Last evaluated: 2018-06-06. Review status: criteria provided, single submitter. Criteria: Invitae Variant Classification Sherloc (09022015). Collection method: clinical testing. Allele origin: germline.
Comment: In summary, the available evidence is currently insufficient to determine the role of this variant in disease. Therefore, it has been classified as a Variant of Uncertain Significance. Algorithms developed to predict the effect of sequence changes on RNA splicing suggest that this variant may disrupt the consensus splice site, but this prediction has not been confirmed by published transcriptional studies. This variant has not been reported in the literature in individuals with ANO5-related disease. This variant is present in population databases (rs774709754, ExAC 0.01%). This sequence change affects codon 13 of the ANO5 mRNA. It is a 'silent' change, meaning that it does not change the encoded amino acid sequence of the ANO5 protein.